The following is an entry in ClinVar:

NM_199420.4(POLQ):c.5520C>A (p.Phe1840Leu)

Gene: POLQ (DNA polymerase theta; minus strand). Cytogenetic location: 3q13.33.
Variant type: single nucleotide variant.
Coding change: c.5520C>A on transcript NM_199420.4 (MANE Select); coding-DNA position 5520, C replaced by A.
Protein change: p.Phe1840Leu; replaces phenylalanine 1840 with leucine.
Molecular consequence: missense variant.
Genome position (GRCh38, 1-based): chr3:121,487,411, G>T on the plus strand (C>A on the coding strand, the complement: POLQ is on the minus strand). VCF-style: chr3-121487411-G-T. GRCh37 (hg19) VCF-style: chr3-121206258-G-T.
Other names: short protein forms F1840L.
Identifiers: ClinVar variation 3422466 (VCV003422466.1).

ClinVar aggregate classification (germline): Uncertain significance (1 of 4 stars; one submission).

Submission:

Ambry Genetics
Classification: Uncertain significance. Last evaluated: 2024-07-24. Review status: criteria provided, single submitter. Criteria: Ambry Variant Classification Scheme 2023. Collection method: clinical testing. Allele origin: germline.
Comment: The p.F1840L variant (also known as c.5520C>A), located in coding exon 16 of the POLQ gene, results from a C to A substitution at nucleotide position 5520. The phenylalanine at codon 1840 is replaced by leucine, an amino acid with highly similar properties. This amino acid position is conserved. In addition, the in silico prediction for this alteration is inconclusive. Based on the available evidence, the clinical significance of this variant remains unclear.